The following is an entry in ClinVar:

ClinVar aggregate classification (germline): Uncertain significance (1 of 4 stars; one submission).

Conditions:
Bethlem myopathy 1A. Also called: Bethlem Muscular Dystrophy; MYOPATHY, BENIGN CONGENITAL, WITH CONTRACTURES; Bethlem myopathy 1. Identifiers: Orphanet 610, MedGen CN029274, MONDO:0024530, OMIM 158810.

gnomAD v4.1: 1 of 1,613,104 alleles (0.000062%); highest among the groups gnomAD compares: Admixed American, 0.0017%; no homozygotes.

Submission:

Labcorp Genetics (formerly Invitae), Labcorp
Classification: Uncertain significance for Bethlem myopathy 1A. Last evaluated: 2020-05-04. Review status: criteria provided, single submitter. Criteria: Invitae Variant Classification Sherloc (09022015). Collection method: clinical testing. Allele origin: germline.
Comment: This variant has not been reported in the literature in individuals with COL6A3-related conditions. This variant is not present in population databases (ExAC no frequency). This sequence change replaces alanine with threonine at codon 2665 of the COL6A3 protein (p.Ala2665Thr). The alanine residue is highly conserved and there is a small physicochemical difference between alanine and threonine. Experimental studies and prediction algorithms are not available or were not evaluated, and the functional significance of this variant is currently unknown. In summary, the available evidence is currently insufficient to determine the role of this variant in disease. Therefore, it has been classified as a Variant of Uncertain Significance.

NM_004369.4(COL6A3):c.7993G>A (p.Ala2665Thr)

Gene: COL6A3 (collagen type VI alpha 3 chain; minus strand). Cytogenetic location: 2q37.3.
Variant type: single nucleotide variant.
Coding change: c.7993G>A on transcript NM_004369.4 (MANE Select); coding-DNA position 7993, G replaced by A.
Protein change: p.Ala2665Thr; replaces alanine 2665 with threonine.
Molecular consequence: missense variant.
Genome position (GRCh38, 1-based): chr2:237,340,923, C>T on the plus strand (G>A on the coding strand, the complement: COL6A3 is on the minus strand). VCF-style: chr2-237340923-C-T. GRCh37 (hg19) VCF-style: chr2-238249566-C-T.
Other names: c.6172G>A, p.Ala2058Thr (NM_057166.5); c.7375G>A, p.Ala2459Thr (NM_057167.4); short protein forms A2058T, A2459T, A2665T.
Identifiers: ClinVar variation 1021070 (VCV001021070.9), dbSNP rs1559201034, ClinGen allele CA351196968.